The following is an entry in ClinVar:

ClinVar aggregate classification (germline): Conflicting classifications of pathogenicity. Review status: criteria provided, conflicting classifications (1 of 4 stars). 2 submissions from 2 submitters: Uncertain significance (1); Likely benign (1). Last evaluated 2026-03-12.

Conditions:
Hereditary cancer-predisposing syndrome. Also called: Neoplastic Syndromes, Hereditary; Hereditary neoplastic syndrome; Tumor predisposition; Hereditary Cancer Syndrome. Identifiers: Orphanet 140162, MedGen C0027672, MeSH D009386, MONDO:0015356.

Submissions (2):

Ambry Genetics
Classification: Uncertain significance for Hereditary cancer-predisposing syndrome. Last evaluated: 2026-03-12. Review status: criteria provided, single submitter. Criteria: Ambry Variant Classification Scheme 2023. Collection method: clinical testing. Allele origin: germline.
Comment: The c.321G>T variant (also known as p.A107A), located in coding exon 4 of the POLE gene, results from a G to T substitution at nucleotide position 321. This nucleotide substitution does not change the at codon 107. This nucleotide position is not well conserved in available vertebrate species. In silico splice site analysis for this alteration is inconclusive. Based on the available evidence, the clinical significance of this variant remains unclear.

Labcorp Genetics (formerly Invitae), Labcorp
Classification: Likely benign. Last evaluated: 2025-12-02. Review status: criteria provided, single submitter. Criteria: Invitae Variant Classification Sherloc (09022015). Collection method: clinical testing. Allele origin: germline.

NM_006231.4(POLE):c.321G>T (p.Ala107=)

Gene: POLE (DNA polymerase epsilon, catalytic subunit; minus strand). Cytogenetic location: 12q24.33.
Variant type: single nucleotide variant.
Coding change: c.321G>T on transcript NM_006231.4 (MANE Select); coding-DNA position 321, G replaced by T.
Protein change: p.Ala107=; no amino-acid change (alanine 107 retained).
Molecular consequence: synonymous variant.
Genome position (GRCh38, 1-based): chr12:132,680,187, C>A on the plus strand (G>T on the coding strand, the complement: POLE is on the minus strand). VCF-style: chr12-132680187-C-A. GRCh37 (hg19) VCF-style: chr12-133256773-C-A.
Other names: c.321G>T (NM_006231.2).
Identifiers: ClinVar variation 4748746 (VCV004748746.2).